The following is an entry in ClinVar:

NM_014989.7(RIMS1):c.5023C>T (p.Arg1675Trp)

Gene: RIMS1 (regulating synaptic membrane exocytosis 1; plus strand). Cytogenetic location: 6q13.
Variant type: single nucleotide variant.
Coding change: c.5023C>T on transcript NM_014989.7 (MANE Select); coding-DNA position 5023, C replaced by T.
Protein change: p.Arg1675Trp; replaces arginine 1675 with tryptophan.
Molecular consequence: missense variant.
Genome position (GRCh38, 1-based): chr6:72,400,658, C>T. VCF-style: chr6-72400658-C-T. GRCh37 (hg19) VCF-style: chr6-73110360-C-T.
Other names: c.2545C>T, p.Arg849Trp (NM_001350434.2); c.2932C>T, p.Arg978Trp (NM_001350435.2); c.3175C>T, p.Arg1059Trp (NM_001350436.2); c.2926C>T, p.Arg976Trp (NM_001350437.2); c.2650C>T, p.Arg884Trp (NM_001350438.2); c.2914C>T, p.Arg972Trp (NM_001350439.2); c.2314C>T, p.Arg772Trp (NM_001350440.2); c.2911C>T, p.Arg971Trp (NM_001350441.2); and 54 more; short protein forms R1057W, R202W, R772W, R776W, R785W, R801W, R839W, R849W.
Identifiers: ClinVar variation 3679291 (VCV003679291.2).

ClinVar aggregate classification (germline): Uncertain significance (1 of 4 stars; one submission).

gnomAD v4.1: 6 of 1,613,762 alleles (0.00037%); highest among the groups gnomAD compares: Non-Finnish European, 0.00051%; no homozygotes.

Submission:

Labcorp Genetics (formerly Invitae), Labcorp
Classification: Uncertain significance. Last evaluated: 2024-02-29. Review status: criteria provided, single submitter. Criteria: Invitae Variant Classification Sherloc (09022015). Collection method: clinical testing. Allele origin: germline.
Comment: This sequence change replaces arginine, which is basic and polar, with tryptophan, which is neutral and slightly polar, at codon 1675 of the RIMS1 protein (p.Arg1675Trp). This variant is present in population databases (rs765953432, gnomAD 0.0009%). This variant has not been reported in the literature in individuals affected with RIMS1-related conditions. An algorithm developed to predict the effect of missense changes on protein structure and function (PolyPhen-2) suggests that this variant is likely to be disruptive. In summary, the available evidence is currently insufficient to determine the role of this variant in disease. Therefore, it has been classified as a Variant of Uncertain Significance.